The following is an entry in ClinVar:

ClinVar aggregate classification (germline): Conflicting classifications of pathogenicity. Review status: criteria provided, conflicting classifications (1 of 4 stars). 3 submissions from 3 submitters: Uncertain significance (2); Benign (1). Last evaluated 2025-08-02.

Conditions:
46,XY sex reversal 6. Also called: 46,XY GONADAL DYSGENESIS, PARTIAL OR COMPLETE, MAP3K1-RELATED; 46,XY SEX REVERSAL, PARTIAL OR COMPLETE, MAP3K1-RELATED. Identifiers: MedGen C3151064, MONDO:0013410, OMIM 613762.
Inborn genetic diseases. Identifiers: MedGen C0950123, MeSH D030342.

Allele frequency attached by ClinVar (database versions not stated): gnomAD exomes 0.00004; gnomAD 0.00011 and 0.00012; TOPMed 0.00012; ExAC 0.00116.
gnomAD v4.1: 157 of 1,312,112 alleles (0.012%); highest among the groups gnomAD compares: Non-Finnish European, 0.014%; no homozygotes.

Submissions (3):

Labcorp Genetics (formerly Invitae), Labcorp
Classification: Benign for 46,XY sex reversal 6. Last evaluated: 2025-08-02. Review status: criteria provided, single submitter. Criteria: Invitae Variant Classification Sherloc (09022015). Collection method: clinical testing. Allele origin: germline.

Ambry Genetics
Classification: Uncertain significance for Inborn genetic diseases. Last evaluated: 2024-09-02. Review status: criteria provided, single submitter. Criteria: Ambry Variant Classification Scheme 2023. Collection method: clinical testing. Allele origin: germline.

Baylor Genetics
Classification: Uncertain significance for 46,XY sex reversal 6. Last evaluated: 2018-11-14. Review status: criteria provided, single submitter. Criteria: ACMG Guidelines, 2015. Collection method: clinical testing. Allele origin: maternal. Affected: yes.
Comment: This variant was determined to be of uncertain significance according to ACMG Guidelines, 2015 [PMID:25741868].

NM_005921.2(MAP3K1):c.44C>G (p.Pro15Arg)

Genes: MAP3K1 (mitogen-activated protein kinase kinase kinase 1; plus strand), LOC129993918 (ATAC-STARR-seq lymphoblastoid silent region 16021; plus strand). Cytogenetic location: 5q11.2.
Variant type: single nucleotide variant.
Coding change: c.44C>G on transcript NM_005921.2 (MANE Select); coding-DNA position 44, C replaced by G.
Protein change: p.Pro15Arg; replaces proline 15 with arginine.
Molecular consequence: missense variant.
Genome position (GRCh38, 1-based): chr5:56,815,617, C>G. VCF-style: chr5-56815617-C-G. GRCh37 (hg19) VCF-style: chr5-56111444-C-G.
Other names: short protein forms P15R.
Identifiers: ClinVar variation 1033045 (VCV001033045.9), dbSNP rs765282250, ClinGen allele CA3272490.
Genomic context (GRCh38, chr5:56,815,617, plus strand): 5'-GTAGCCCGCGAGAGAAAATGGCGGCGGCGGCGGGGAATCGCGCCTCGTCGTCGGGATTCC[C>G]GGGCGCCAGGGCTACGAGCCCTGAGGCAGGCGGCGGCGGAGGAGCCCTCAAGGCGAGCAG-3'
Protein context (NP_005912.1, residues 5-25): AGNRASSSGF[Pro15Arg]GARATSPEAG